The following is an entry in ClinVar:

NM_000038.6(APC):c.5585dup (p.Leu1862fs)

Gene: APC (APC regulator of Wnt signaling pathway; plus strand). Cytogenetic location: 5q22.2.
Variant type: Duplication.
Coding change: c.5585dup on transcript NM_000038.6 (MANE Select); coding-DNA position 5585, one base duplicated (T; older notation c.5585dupT).
Protein change: p.Leu1862fs; shifts the reading frame from leucine 1862.
Molecular consequence: frameshift variant.
Genome position (GRCh38, 1-based): chr5:112,841,179, T duplicated; the last of 3 consecutive T bases (chr5:112,841,177-112,841,179); duplicating any one gives the same sequence. VCF-style (leftmost placement, unchanged base first): chr5-112841176-C-CT. GRCh37 (hg19) VCF-style: chr5-112176873-C-CT.
Other names: NM_000038.4:c.5585dupT; p.Leu1862PhefsX7; c.5585_5586insT (LRG_130t1); c.5585dup, p.Leu1862fs (NM_001127510.3, NM_001354895.2); c.5531dup, p.Leu1844fs (NM_001127511.3); c.5639dup, p.Leu1880fs (NM_001354896.2); c.5615dup, p.Leu1872fs (NM_001354897.2); c.5510dup, p.Leu1837fs (NM_001354898.2); and 8 more; short protein forms L1771fs, L1844fs, L1821fs, L1834fs, L1837fs, L1862fs, L1880fs, L1579fs.
Identifiers: ClinVar variation 505558 (VCV000505558.7), dbSNP rs1554086823, ClinGen allele CA658796576.
Genomic context (GRCh38, chr5:112,841,176, plus strand): 5'-ATTCACCTCATCATTACACGCCTATTGAAGGAACTCCTTACTGTTTTTCACGAAATGATT[C>CT]TTTGAGTTCTCTAGATTTTGATGATGATGATGTTGACCTTTCCAGGGAAAAGGCTGAATT-3'

ClinVar aggregate classification (germline): Pathogenic/Likely pathogenic. Review status: criteria provided, multiple submitters, no conflicts (2 of 4 stars). 3 submissions from 3 submitters: Pathogenic (2); Likely pathogenic (1). Last evaluated 2026-01-17.

Conditions:
Familial multiple polyposis syndrome (FAP). Also called: Familial intestinal polyposis; Classic familial adenomatous polyposis; Familial Adenomatous Polyposis (FAP); Familial adenomatous polyposis; Familial polyposis. Identifiers: Orphanet 733, MedGen C0032580, MONDO:0021055. Disease mechanism: loss of function.
Familial adenomatous polyposis 1 (FAP1). Also called: POLYPOSIS, ADENOMATOUS INTESTINAL; FAMILIAL ADENOMATOUS POLYPOSIS 1, ATTENUATED. Identifiers: MedGen C2713442, MONDO:0021056, OMIM 175100. Disease mechanism: loss of function.

Submissions (3):

Labcorp Genetics (formerly Invitae), Labcorp
Classification: Pathogenic for Familial adenomatous polyposis 1. Last evaluated: 2026-01-17. Review status: criteria provided, single submitter. Criteria: Invitae Variant Classification Sherloc (09022015). Collection method: clinical testing. Allele origin: germline.
Comment: This sequence change creates a premature translational stop signal (p.Leu1862Phefs*7) in the APC gene. While this is not anticipated to result in nonsense mediated decay, it is expected to disrupt the last 982 amino acid(s) of the APC protein. This variant is not present in population databases (gnomAD no frequency). This variant has not been reported in the literature in individuals affected with APC-related conditions. ClinVar contains an entry for this variant (Variation ID: 505558). This variant is expected to disrupt the EB1 and HDLG binding sites, which mediate interactions with the cytoskeleton (PMID: 15311282, 17293347). While functional studies have not been performed to directly test the effect on APC protein function, this suggests that disruption of the C-terminal portion of the protein is functionally important. A different truncation (p.Tyr2645Lysfs*14) that lies downstream of this variant has been determined to be pathogenic (PMID: 9824584, 1316610, 27081525, 8381579, 22135120, internal data). This suggests that deletion of this region of the APC protein is causative of disease. For these reasons, this variant has been classified as Pathogenic.

Myriad Genetics, Inc.
Classification: Pathogenic for Familial adenomatous polyposis 1. Last evaluated: 2023-05-12. Review status: criteria provided, single submitter. Criteria: Myriad Autosomal Dominant, Autosomal Recessive and X-Linked Classification Criteria (2023). Collection method: clinical testing. Allele origin: unknown.
Comment: This variant is considered pathogenic. This variant creates a frameshift predicted to result in premature protein truncation.

Laboratory for Molecular Medicine, Mass General Brigham Personalized Medicine
Classification: Likely pathogenic for Familial multiple polyposis syndrome. Last evaluated: 2020-02-06. Review status: criteria provided, single submitter. Criteria: LMM Criteria. Collection method: clinical testing. Allele origin: germline. Observed: 1 variant allele.
Comment: The p.Leu1862PhefsX7 variant in APC has not been previously reported in individuals with familial adenomatous polyposis (FAP) and was absent from large population studies. This variant is predicted to cause a frameshift, which alters the proteinâ€™s amino acid sequence beginning at position 1862 and leads to a premature termination codon 7 amino acids downstream. This termination codon occurs within the last exon and is, therefore, likely to escape nonsense mediated decay (NMD) and result in a truncated protein. Truncating variants in the last exon of APC, including multiple variants downstream of this variant, have been reported in individuals with FAP. In summary, although additional studies are required to fully establish its clinical significance, the p.Arg2237X variant is classified as likely pathogenic for FAP in an autosomal dominant manner. ACMG/AMP Criteria applied: PVS1_Strong, PM2.

Literature cited by the submitters: PubMed 15311282 (cited by Labcorp Genetics (formerly Invitae), Labcorp); PubMed 17293347 (cited by Labcorp Genetics (formerly Invitae), Labcorp); PubMed 9824584 (cited by Labcorp Genetics (formerly Invitae), Labcorp); PubMed 1316610 (cited by Labcorp Genetics (formerly Invitae), Labcorp); PubMed 27081525 (cited by Labcorp Genetics (formerly Invitae), Labcorp); PubMed 8381579 (cited by Labcorp Genetics (formerly Invitae), Labcorp); PubMed 22135120 (cited by Labcorp Genetics (formerly Invitae), Labcorp).